The following is an entry in ClinVar:

NM_001999.4(FBN2):c.1800delinsTT (p.Ile601fs)

Gene: FBN2 (fibrillin 2; minus strand). Cytogenetic location: 5q23.3.
Variant type: Indel.
Coding change: c.1800delinsTT on transcript NM_001999.4 (MANE Select); coding-DNA position 1800, C replaced by TT.
Protein change: p.Ile601fs; shifts the reading frame from isoleucine 601.
Molecular consequence: frameshift variant.
Genome position (GRCh38, 1-based): chr5:128,377,801, G replaced by AA on the plus strand (C replaced by TT on the coding strand, the reverse complement: FBN2 is on the minus strand). VCF-style: chr5-128377801-G-AA. GRCh37 (hg19) VCF-style: chr5-127713494-G-AA.
Other names: short protein forms I601fs.
Identifiers: ClinVar variation 2501747 (VCV002501747.2), dbSNP rs2479386924, ClinGen allele CA2580613652.

ClinVar aggregate classification (germline): Uncertain significance (1 of 4 stars; one submission).

Conditions:
Macular degeneration, early-onset (EOMD). Identifiers: MedGen C4015286, MONDO:0014501, OMIM 616118.
Congenital contractural arachnodactyly (CCA). Also called: Beals-Hecht syndrome; BEALS SYNDROME; Arthrogryposis, distal, type 9. Identifiers: Orphanet 115, MedGen C0220668, MONDO:0007363, OMIM 121050.

Submission:

Center for Genomics, Ann and Robert H. Lurie Children's Hospital of Chicago
Classification: Uncertain significance for Macular degeneration, early-onset; Congenital contractural arachnodactyly. Review status: criteria provided, single submitter. Criteria: ACMG Guidelines, 2015. Collection method: clinical testing. Allele origin: germline.
Comment: FBN2 NM_001999.3 exon 13 p.Cys600Phe (c.1799_1800delinsTT): This variant has not been reported in the literature and is not present in large control databases. Evolutionary conservation and computational predictive tools suggest that this variant may impact the protein. Of note, this variant affects a cysteine residue in the epidermal growth factor (EGF) domain of the FBN2 protein, which is highly conserved. In summary, data on this variant is insufficient for disease classification. Therefore, the clinical significance of this variant is uncertain.